The following is an entry in ClinVar:

NM_000057.4(BLM):c.1613C>A (p.Ala538Asp)

Gene: BLM (BLM RecQ like helicase; plus strand). Cytogenetic location: 15q26.1.
Variant type: single nucleotide variant.
Coding change: c.1613C>A on transcript NM_000057.4 (MANE Select); coding-DNA position 1613, C replaced by A.
Protein change: p.Ala538Asp; replaces alanine 538 with aspartic acid.
Molecular consequence: missense variant.
Genome position (GRCh38, 1-based): chr15:90,760,986, C>A. VCF-style: chr15-90760986-C-A. GRCh37 (hg19) VCF-style: chr15-91304216-C-A.
Other names: c.1613C>A, p.Ala538Asp (NM_001287246.2, NM_001287247.2); c.488C>A, p.Ala163Asp (NM_001287248.2); short protein forms A163D, A538D.
Identifiers: ClinVar variation 2298098 (VCV002298098.3), dbSNP rs778593808, ClinGen allele CA274738311.

ClinVar aggregate classification (germline): Uncertain significance (1 of 4 stars; one submission).

Conditions:
Hereditary cancer-predisposing syndrome. Also called: Hereditary Cancer Syndrome; Hereditary neoplastic syndrome; Neoplastic Syndromes, Hereditary; Tumor predisposition. Identifiers: Orphanet 140162, MedGen C0027672, MeSH D009386, MONDO:0015356.

Submission:

Ambry Genetics
Classification: Uncertain significance for Hereditary cancer-predisposing syndrome. Last evaluated: 2025-04-14. Review status: criteria provided, single submitter. Criteria: Ambry Variant Classification Scheme 2023. Collection method: clinical testing. Allele origin: germline.
Comment: The p.A538D variant (also known as c.1613C>A), located in coding exon 6 of the BLM gene, results from a C to A substitution at nucleotide position 1613. The alanine at codon 538 is replaced by aspartic acid, an amino acid with dissimilar properties. This amino acid position is conserved. In addition, this alteration is predicted to be tolerated by in silico analysis. Based on the available evidence, the clinical significance of this variant remains unclear.